The following is an entry in ClinVar:

NM_003322.6(TULP1):c.1049A>C (p.Tyr350Ser)

Gene: TULP1 (TUB like protein 1; minus strand). Cytogenetic location: 6p21.31.
Variant type: single nucleotide variant.
Coding change: c.1049A>C on transcript NM_003322.6 (MANE Select); coding-DNA position 1049, A replaced by C.
Protein change: p.Tyr350Ser; replaces tyrosine 350 with serine.
Molecular consequence: missense variant.
Genome position (GRCh38, 1-based): chr6:35,505,804, T>G on the plus strand (A>C on the coding strand, the complement: TULP1 is on the minus strand). VCF-style: chr6-35505804-T-G. GRCh37 (hg19) VCF-style: chr6-35473581-T-G.
Other names: c.890A>C, p.Tyr297Ser (NM_001289395.2); short protein forms Y297S, Y350S.
Identifiers: ClinVar variation 1003028 (VCV001003028.10), dbSNP rs1761068541, ClinGen allele CA363779770.

ClinVar aggregate classification (germline): Uncertain significance (1 of 4 stars; one submission).

Submission:

Labcorp Genetics (formerly Invitae), Labcorp
Classification: Uncertain significance. Last evaluated: 2022-07-14. Review status: criteria provided, single submitter. Criteria: Invitae Variant Classification Sherloc (09022015). Collection method: clinical testing. Allele origin: germline.
Comment: In summary, the available evidence is currently insufficient to determine the role of this variant in disease. Therefore, it has been classified as a Variant of Uncertain Significance. Algorithms developed to predict the effect of missense changes on protein structure and function are either unavailable or do not agree on the potential impact of this missense change (SIFT: "Not Available"; PolyPhen-2: "Probably Damaging"; Align-GVGD: "Not Available"). ClinVar contains an entry for this variant (Variation ID: 1003028). This variant has not been reported in the literature in individuals affected with TULP1-related conditions. This variant is not present in population databases (gnomAD no frequency). This sequence change replaces tyrosine, which is neutral and polar, with serine, which is neutral and polar, at codon 350 of the TULP1 protein (p.Tyr350Ser).